The following is an entry in ClinVar:

ClinVar aggregate classification (germline): Uncertain significance (1 of 4 stars; one submission).

gnomAD v4.1: 6 of 1,612,994 alleles (0.00037%); highest among the groups gnomAD compares: Non-Finnish European, 0.00051%; no homozygotes.

Submission:

Labcorp Genetics (formerly Invitae), Labcorp
Classification: Uncertain significance. Last evaluated: 2025-02-06. Review status: criteria provided, single submitter. Criteria: Invitae Variant Classification Sherloc (09022015). Collection method: clinical testing. Allele origin: germline.
Comment: This sequence change replaces isoleucine, which is neutral and non-polar, with leucine, which is neutral and non-polar, at codon 569 of the CFB protein (p.Ile569Leu). This variant is present in population databases (no rsID available, gnomAD 0.0009%). This variant has not been reported in the literature in individuals affected with CFB-related conditions. Invitae Evidence Modeling of protein sequence and biophysical properties (such as structural, functional, and spatial information, amino acid conservation, physicochemical variation, residue mobility, and thermodynamic stability) has been performed for this missense variant. However, the output from this modeling did not meet the statistical confidence thresholds required to predict the impact of this variant on CFB protein function. In summary, the available evidence is currently insufficient to determine the role of this variant in disease. Therefore, it has been classified as a Variant of Uncertain Significance.

NM_001710.6(CFB):c.1705A>C (p.Ile569Leu)

Gene: CFB (complement factor B; plus strand). Cytogenetic location: 6p21.33.
Variant type: single nucleotide variant.
Coding change: c.1705A>C on transcript NM_001710.6 (MANE Select); coding-DNA position 1705, A replaced by C.
Protein change: p.Ile569Leu; replaces isoleucine 569 with leucine.
Molecular consequence: missense variant.
Genome position (GRCh38, 1-based): chr6:31,950,699, A>C. VCF-style: chr6-31950699-A-C. GRCh37 (hg19) VCF-style: chr6-31918476-A-C.
Other names: short protein forms I569L.
Identifiers: ClinVar variation 4765058 (VCV004765058.1).